The following is an entry in ClinVar:

ClinVar aggregate classification (germline): Uncertain significance (1 of 4 stars; one submission).

Submission:

GeneDx
Classification: Uncertain significance. Last evaluated: 2025-04-06. Review status: criteria provided, single submitter. Criteria: GeneDx Variant Classification Process June 2021. Collection method: clinical testing. Allele origin: germline. Affected: yes.
Comment: Not observed at significant frequency in large population cohorts (gnomAD); In silico analysis supports that this missense variant has a deleterious effect on protein structure/function; Has not been previously published as pathogenic or benign to our knowledge

NM_001655.5(ARCN1):c.1433A>G (p.Tyr478Cys)

Gene: ARCN1 (archain 1 coat protein complex I subunit delta; plus strand). Cytogenetic location: 11q23.3.
Variant type: single nucleotide variant.
Coding change: c.1433A>G on transcript NM_001655.5 (MANE Select); coding-DNA position 1433, A replaced by G.
Protein change: p.Tyr478Cys; replaces tyrosine 478 with cysteine.
Molecular consequence: missense variant. On other transcripts: non-coding transcript variant (2), intron variant (3).
Genome position (GRCh38, 1-based): chr11:118,597,898, A>G. VCF-style: chr11-118597898-A-G. GRCh37 (hg19) VCF-style: chr11-118468613-A-G.
Other names: c.1169A>G, p.Tyr390Cys (NM_001142281.2); c.1496A>G, p.Tyr499Cys (NM_001425073.1); c.1430A>G, p.Tyr477Cys (NM_001425074.1); c.1376A>G, p.Tyr459Cys (NM_001425075.1); c.1364A>G, p.Tyr455Cys (NM_001425076.1); c.1268A>G, p.Tyr423Cys (NM_001425077.1); c.989A>G, p.Tyr330Cys (NM_001425080.1); c.1242-2727A>G (NM_001425078.1); and 2 more; short protein forms Y330C, Y390C, Y423C, Y455C, Y459C, Y477C, Y478C, Y499C.
Identifiers: ClinVar variation 4278555 (VCV004278555.1).
Genomic context (GRCh38, chr11:118,597,898, plus strand): 5'-TTGCTGGGCAGCCCAATGACTTCTTCCCTGTTCAAGTTTCCTTTGTCTCCAAGAAAAATT[A>G]CTGTAACATACAGGTACTCCATTTTAGTTGAGAACATATATAGGGAAAGTGGTAGGACAG-3'
Protein context (NP_001646.2, residues 468-488): VQVSFVSKKN[Tyr478Cys]CNIQVTKVTQ